The following is an entry in ClinVar:

NM_172232.4(ABCA5):c.1188A>G (p.Leu396=)

Gene: ABCA5 (ATP binding cassette subfamily A member 5; minus strand). Cytogenetic location: 17q24.3.
Variant type: single nucleotide variant.
Coding change: c.1188A>G on transcript NM_172232.4 (MANE Select); coding-DNA position 1188, A replaced by G.
Protein change: p.Leu396=; no amino-acid change (leucine 396 retained).
Molecular consequence: synonymous variant.
Genome position (GRCh38, 1-based): chr17:69,301,218, T>C on the plus strand (A>G on the coding strand, the complement: ABCA5 is on the minus strand). VCF-style: chr17-69301218-T-C. GRCh37 (hg19) VCF-style: chr17-67297359-T-C.
Other names: c.1188A>G, p.Leu396= (NM_018672.5).
Identifiers: ClinVar variation 3905260 (VCV003905260.10).

ClinVar aggregate classification (germline): Likely benign (1 of 4 stars; one submission).

gnomAD v4.1: 11 of 1,604,836 alleles (0.00069%); highest among the groups gnomAD compares: African/African-American, 0.0067%; no homozygotes.

Submission:

CeGaT Center for Human Genetics Tuebingen
Classification: Likely benign. Last evaluated: 2025-05-01. Review status: criteria provided, single submitter. Criteria: CeGaT Center For Human Genetics Tuebingen Variant Classification Criteria Version 2. Collection method: clinical testing. Allele origin: germline. Affected: yes. Observed: 1 variant allele.
Comment: ABCA5: BP4, BP7